The following is an entry in ClinVar:

NM_005529.7(HSPG2):c.5442G>A (p.Leu1814=)

Gene: HSPG2 (heparan sulfate proteoglycan 2; minus strand). Cytogenetic location: 1p36.12.
Variant type: single nucleotide variant.
Coding change: c.5442G>A on transcript NM_005529.7 (MANE Select); coding-DNA position 5442, G replaced by A.
Protein change: p.Leu1814=; no amino-acid change (leucine 1814 retained).
Molecular consequence: synonymous variant.
Genome position (GRCh38, 1-based): chr1:21,857,148, C>T on the plus strand (G>A on the coding strand, the complement: HSPG2 is on the minus strand). VCF-style: chr1-21857148-C-T. GRCh37 (hg19) VCF-style: chr1-22183641-C-T.
Other names: c.5445G>A, p.Leu1815= (NM_001291860.2).
Identifiers: ClinVar variation 618172 (VCV000618172.35), dbSNP rs115087461, ClinGen allele CA671925.

ClinVar aggregate classification (germline): Benign/Likely benign. Review status: criteria provided, multiple submitters, no conflicts (2 of 4 stars). 9 submissions from 8 submitters: Benign (6); Likely benign (3). Last evaluated 2026-01-27.

Conditions:
Lethal Kniest-like syndrome (DDSH). Also called: Dyssegmental Dysplasia. Identifiers: Orphanet 1865, MedGen C1857100, MONDO:0009140, OMIM 224410.
Schwartz-Jampel syndrome. Also called: Myotonic myopathy dwarfism chondrodystrophy and ocular and facial abnormalities. Identifiers: Orphanet 800, MedGen C0036391, MONDO:0009717.
Connective tissue disorder. Also called: Connective tissue disease. Identifiers: MedGen C0009782, MONDO:0003900.

Allele frequency attached by ClinVar (database versions not stated): gnomAD exomes 0.00084 and 0.00213; ExAC 0.00249; gnomAD 0.00812 and 0.00870; 1000 Genomes Project 0.00938; TOPMed 0.00973; ESP Exome Variant Server 0.01000; 1000 Genomes Project 30x 0.01031.
gnomAD v4.1: 2,549 of 1,614,102 alleles (0.16%); highest among the groups gnomAD compares: African/African-American, 2.8%; 30 homozygotes.

Submissions (9):

Labcorp Genetics (formerly Invitae), Labcorp
Classification: Benign. Last evaluated: 2026-01-27. Review status: criteria provided, single submitter. Criteria: Invitae Variant Classification Sherloc (09022015). Collection method: clinical testing. Allele origin: germline.

ARUP Laboratories, Molecular Genetics and Genomics, ARUP Laboratories
Classification: Benign. Last evaluated: 2024-12-27. Review status: criteria provided, single submitter. Criteria: ARUP Molecular Germline Variant Investigation Process 2024. Collection method: clinical testing. Allele origin: germline.

Blueprint Genetics
Classification: Benign. Last evaluated: 2024-11-13. Review status: criteria provided, single submitter. Criteria: ACMG Guidelines, 2015. Collection method: clinical testing. Allele origin: germline.

Athena Diagnostics
Classification: Benign. Last evaluated: 2024-06-06. Review status: criteria provided, single submitter. Criteria: Athena Diagnostics Criteria. Collection method: clinical testing. Allele origin: unknown.

GeneDx
Classification: Likely benign. Last evaluated: 2021-05-28. Review status: criteria provided, single submitter. Criteria: GeneDx Variant Classification Process June 2021. Collection method: clinical testing. Allele origin: germline. Affected: yes.

Genome Diagnostics Laboratory, The Hospital for Sick Children
Classification: Likely benign for Connective tissue disorder. Last evaluated: 2019-07-01. Review status: criteria provided, single submitter. Criteria: ACMG Guidelines, 2015. Collection method: clinical testing. Allele origin: germline.

Illumina Laboratory Services, Illumina
Classification: Benign for Schwartz-Jampel syndrome type 1. Last evaluated: 2018-01-13. Review status: criteria provided, single submitter. Criteria: ICSL Variant Classification Criteria 13 December 2019. Collection method: clinical testing. Allele origin: germline.
Comment: This variant was observed in the ICSL laboratory as part of a predisposition screen in an ostensibly healthy population. It had not been previously curated by ICSL or reported in the Human Gene Mutation Database (HGMD: prior to June 1st, 2018), and was therefore a candidate for classification through an automated scoring system. Utilizing variant allele frequency, disease prevalence and penetrance estimates, and inheritance mode, an automated score was calculated to assess if this variant is too frequent to cause the disease. Based on the score and internal cut-off values, a variant classified as benign is not then subjected to further curation. The score for this variant resulted in a classification of benign for this disease.

Illumina Laboratory Services, Illumina
Classification: Benign for Lethal Kniest-like syndrome. Last evaluated: 2018-01-13. Review status: criteria provided, single submitter. Criteria: ICSL Variant Classification Criteria 13 December 2019. Collection method: clinical testing. Allele origin: germline.
Comment: the same text as in the submission from Illumina Laboratory Services, Illumina above.

Breakthrough Genomics
Classification: Likely benign. Review status: criteria provided, single submitter. Criteria: ACMG Guidelines, 2015. Collection method: not provided. Allele origin: germline. Inheritance: Autosomal recessive inheritance. Affected: yes.

Literature cited by the submitters: PubMed 32231685 (cited by Athena Diagnostics).